The following is an entry in ClinVar:

ClinVar aggregate classification (germline): Pathogenic/Likely pathogenic. Review status: criteria provided, multiple submitters, no conflicts (2 of 4 stars). 3 submissions from 3 submitters: Pathogenic (2); Likely pathogenic (1). Last evaluated 2023-11-14.

Conditions:
Multiple endocrine neoplasia, type 1 (MEN1). Also called: MEN I; WERMER SYNDROME; Endocrine adenomatosis multiple; MEN 1; MEA I. Identifiers: Orphanet 652, MedGen C0025267, MeSH D018761, MONDO:0007540, OMIM 131100.

Submissions (3):

ARUP Laboratories, Molecular Genetics and Genomics, ARUP Laboratories
Classification: Pathogenic. Last evaluated: 2023-11-14. Review status: criteria provided, single submitter. Criteria: ARUP Molecular Germline Variant Investigation Process 2024. Collection method: clinical testing. Allele origin: germline.
Comment: The MEN1 c.1274_1276del; p.Glu425del variant (rs2136101303) is reported in the literature in multiple individuals affected with multiple endocrine neoplasia type 1 (Giraud 1998, Wautot 2002). This variant is also reported in ClinVar (Variation ID: 1067928) and is absent from the Genome Aggregation Database, indicating it is not a common polymorphism. Functional analyses of the variant protein show reduced menin function (Hussein 2008). This variant deletes a single glutamic acid residue leaving the rest of the protein in-frame. Based on available information, this variant is considered to be pathogenic. References: Giraud S et al. Germ-line mutation analysis in patients with multiple endocrine neoplasia type 1 and related disorders. Am J Hum Genet. 1998 Aug;63(2):455-67. PMID: 9683585. Hussein N et al. Deregulation of anti-Mullerian hormone/BMP and transforming growth factor-beta pathways in Leydig cell lesions developed in male heterozygous multiple endocrine neoplasia type 1 mutant mice. Endocr Relat Cancer. 2008 Mar;15(1):217-27. PMID: 18310289. Wautot V et al. Germline mutation profile of MEN1 in multiple endocrine neoplasia type 1: search for correlation between phenotype and the functional domains of the MEN1 protein. Hum Mutat. 2002 Jul;20(1):35-47. PMID: 12112656.

Labcorp Genetics (formerly Invitae), Labcorp
Classification: Pathogenic for Multiple endocrine neoplasia, type 1. Last evaluated: 2022-08-09. Review status: criteria provided, single submitter. Criteria: Invitae Variant Classification Sherloc (09022015). Collection method: clinical testing. Allele origin: germline.
Comment: This variant has been observed in individuals with clinical features of multiple endocrine neoplasia type 1 (PMID: 9683585, 10762295, 12112656; Invitae; External communication). This variant is not present in population databases (gnomAD no frequency). This variant, c.1274_1276del, results in the deletion of 1 amino acid(s) of the MEN1 protein (p.Glu425del), but otherwise preserves the integrity of the reading frame. For these reasons, this variant has been classified as Pathogenic. Experimental studies have shown that this variant affects MEN1 function (PMID: 17184987, 18310289). Algorithms developed to predict the effect of variants on protein structure and function are not available or were not evaluated for this variant. ClinVar contains an entry for this variant (Variation ID: 1067928). This variant is also known as 1384delAGG.

GeneDx
Classification: Likely pathogenic. Last evaluated: 2022-04-08. Review status: criteria provided, single submitter. Criteria: GeneDx Variant Classification Process June 2021. Collection method: clinical testing. Allele origin: germline. Affected: yes.
Comment: Not observed at significant frequency in large population cohorts (gnomAD); In-frame deletion of 1 amino acid in a non-repeat region; In silico analysis supports a deleterious effect on protein structure/function; Published functional studies demonstrate a damaging effect: lack of cell growth inhibition, reduced menin expression, and impaired menin function (Hussein 2007, Hussein 2008); Observed in an individual with a personal and family history of MEN1-associated lesions in published literature (Giraud 1998).; This variant is associated with the following publications: (PMID: 17879353, 10730900, 10762295, 11836268, 9683585, 18310289, 12112656, 17184987, 9989505)

Literature cited by the submitters: PubMed 9683585 (cited by Labcorp Genetics (formerly Invitae), Labcorp); PubMed 10762295 (cited by Labcorp Genetics (formerly Invitae), Labcorp); PubMed 12112656 (cited by Labcorp Genetics (formerly Invitae), Labcorp); PubMed 17184987 (cited by Labcorp Genetics (formerly Invitae), Labcorp); PubMed 18310289 (cited by Labcorp Genetics (formerly Invitae), Labcorp).

NM_001370259.2(MEN1):c.1271AGG[1] (p.Glu425del)

Gene: MEN1 (menin 1; minus strand). Cytogenetic location: 11q13.1.
Variant type: Microsatellite.
Coding change: c.1271AGG[1] on transcript NM_001370259.2 (MANE Select); one copy of the 3-base unit AGG starting at c.1271; the reference has two copies in a row; one copy, 3 bases deleted.
Protein change: p.Glu425del; deletes glutamic acid 425.
Molecular consequence: inframe deletion.
Genome position (GRCh38, 1-based): chr11:64,805,108-64,805,110, CCT deleted on the plus strand (AGG on the coding strand, the reverse complement: MEN1 is on the minus strand); deleting any 3 consecutive bases within chr11:64,805,108-64,805,115 gives the same sequence; the position shown is the placement nearest the transcript's 3' end. VCF-style (leftmost placement, unchanged base first): chr11-64805107-CCCT-C. GRCh37 (hg19) VCF-style: chr11-64572579-CCCT-C.
Other names: c.1397AGG[1], p.Glu467del (NM_001370251.2); c.1271AGG[1], p.Glu425del (NM_001370260.2, NM_001370261.2, NM_130799.3); c.1166AGG[1], p.Glu390del (NM_001370262.2, NM_001370263.2); c.1286AGG[1], p.Glu430del (NM_130800.3, NM_130803.3, NM_130804.3 and 3 more transcripts); c.1274_1276del (NM_130799.2); short protein forms E390del, E425del, E430del, E467del.
Identifiers: ClinVar variation 1067928 (VCV001067928.12), dbSNP rs2136101303, ClinGen allele CA2580615720.
Genomic context (GRCh38, chr11:64,805,107, plus strand): 5'-CGGCCTAGGGACTGCACAAGAAAGGTGGCCCAGCCCACATGCAGCACAGGCGTGGGACTG[CCCT>C]CCTCCCATTTGCAGATGCCGTCGTAGAATCGCAGCAGGTGGGCGAAGCACTCAGGGTCCT-3'